The following is an entry in ClinVar:

NM_001982.4(ERBB3):c.78G>A (p.Gln26=)

Gene: ERBB3 (erb-b2 receptor tyrosine kinase 3; plus strand). Cytogenetic location: 12q13.2.
Variant type: single nucleotide variant.
Coding change: c.78G>A on transcript NM_001982.4 (MANE Select); coding-DNA position 78, G replaced by A.
Protein change: p.Gln26=; no amino-acid change (glutamine 26 retained).
Molecular consequence: synonymous variant.
Genome position (GRCh38, 1-based): chr12:56,080,378, G>A. VCF-style: chr12-56080378-G-A. GRCh37 (hg19) VCF-style: chr12-56474162-G-A.
Other names: c.78G>A, p.Gln26= (NM_001005915.1).
Identifiers: ClinVar variation 712394 (VCV000712394.6), dbSNP rs190034531, ClinGen allele CA6621809.

ClinVar aggregate classification (germline): Benign/Likely benign. Review status: criteria provided, multiple submitters, no conflicts (2 of 4 stars). 3 submissions from 3 submitters: Benign (2); Likely benign (1). Last evaluated 2025-12-30.

Conditions:
ERBB3-related disorder. Also called: ERBB3-related condition.

Allele frequency attached by ClinVar (database versions not stated): gnomAD exomes 0.00031 and 0.00118; gnomAD 0.00043 and 0.00051; TOPMed 0.00071; 1000 Genomes Project 0.00140; 1000 Genomes Project 30x 0.00156; ExAC 0.00188.
gnomAD v4.1: 571 of 1,593,020 alleles (0.036%); highest among the groups gnomAD compares: East Asian, 1.1%; 1 homozygote.

Submissions (3):

Labcorp Genetics (formerly Invitae), Labcorp
Classification: Benign. Last evaluated: 2025-12-30. Review status: criteria provided, single submitter. Criteria: Invitae Variant Classification Sherloc (09022015). Collection method: clinical testing. Allele origin: germline.

Blueprint Genetics
Classification: Likely benign. Last evaluated: 2024-11-15. Review status: criteria provided, single submitter. Criteria: ACMG Guidelines, 2015. Collection method: clinical testing. Allele origin: germline.

PreventionGenetics, part of Exact Sciences
Classification: Benign for ERBB3-related condition. Last evaluated: 2024-11-15. Review status: criteria provided, single submitter. Criteria: ACMG Guidelines, 2015. Collection method: clinical testing. Allele origin: germline.
Comment: This variant is classified as benign based on ACMG/AMP sequence variant interpretation guidelines (Richards et al. 2015 PMID: 25741868, with internal and published modifications).